The following is an entry in ClinVar:

ClinVar aggregate classification (germline): Uncertain significance (1 of 4 stars; one submission).

Conditions:
KIDINS220-related disorder. Also called: KIDINS220-related condition.

gnomAD v4.1: 1 of 1,614,038 alleles (0.000062%); highest among the groups gnomAD compares: African/African-American, 0.0013%; no homozygotes.

Submission:

PreventionGenetics, part of Exact Sciences
Classification: Uncertain significance for KIDINS220-related condition. Last evaluated: 2025-05-19. Review status: criteria provided, single submitter. Criteria: ACMG Guidelines, 2015. Collection method: clinical testing. Allele origin: germline.
Comment: The KIDINS220 c.1876G>C variant is predicted to result in the amino acid substitution p.Glu626Gln. To our knowledge, this variant has not been reported in the literature or in a large population database (gnomAD), indicating this variant is rare. At this time, the clinical significance of this variant is uncertain due to the absence of conclusive functional and genetic evidence.

NM_020738.4(KIDINS220):c.1876G>C (p.Glu626Gln)

Gene: KIDINS220 (kinase D interacting substrate 220; minus strand). Cytogenetic location: 2p25.1.
Variant type: single nucleotide variant.
Coding change: c.1876G>C on transcript NM_020738.4 (MANE Select); coding-DNA position 1876, G replaced by C.
Protein change: p.Glu626Gln; replaces glutamic acid 626 with glutamine.
Molecular consequence: missense variant. On other transcripts: non-coding transcript variant (2).
Genome position (GRCh38, 1-based): chr2:8,786,269, C>G on the plus strand (G>C on the coding strand, the complement: KIDINS220 is on the minus strand). VCF-style: chr2-8786269-C-G. GRCh37 (hg19) VCF-style: chr2-8926399-C-G.
Other names: c.1879G>C, p.Glu627Gln (NM_001348729.2, NM_001348731.2, NM_001348734.2 and 3 more transcripts); c.1876G>C, p.Glu626Gln (NM_001348732.2, NM_001348735.2, NM_001348738.2 and 3 more transcripts); c.1750G>C, p.Glu584Gln (NM_001348736.2); short protein forms E584Q, E627Q, E626Q.
Identifiers: ClinVar variation 4987453 (VCV004987453.1).